The following is an entry in ClinVar:

ClinVar aggregate classification (germline): Uncertain significance (1 of 4 stars; one submission).

Submission:

GeneDx
Classification: Uncertain significance. Last evaluated: 2022-06-08. Review status: criteria provided, single submitter. Criteria: GeneDx Variant Classification Process June 2021. Collection method: clinical testing. Allele origin: germline. Affected: yes.
Comment: Not observed at significant frequency in large population cohorts (gnomAD); In silico analysis supports that this missense variant has a deleterious effect on protein structure/function; Has not been previously published as pathogenic or benign to our knowledge

NM_000435.3(NOTCH3):c.2335C>G (p.Pro779Ala)

Gene: NOTCH3 (notch receptor 3; minus strand). Cytogenetic location: 19p13.12.
Variant type: single nucleotide variant.
Coding change: c.2335C>G on transcript NM_000435.3 (MANE Select); coding-DNA position 2335, C replaced by G.
Protein change: p.Pro779Ala; replaces proline 779 with alanine.
Molecular consequence: missense variant.
Genome position (GRCh38, 1-based): chr19:15,184,981, G>C on the plus strand (C>G on the coding strand, the complement: NOTCH3 is on the minus strand). VCF-style: chr19-15184981-G-C. GRCh37 (hg19) VCF-style: chr19-15295792-G-C.
Other names: short protein forms P779A.
Identifiers: ClinVar variation 1803385 (VCV001803385.1), dbSNP rs2512653008, ClinGen allele CA404520570.